The following is an entry in ClinVar:

ClinVar aggregate classification (germline): Uncertain significance. Review status: criteria provided, multiple submitters, no conflicts (2 of 4 stars). 5 submissions from 5 submitters: Uncertain significance (5). Last evaluated 2026-04-06.

Conditions:
Hereditary cancer-predisposing syndrome. Also called: Hereditary Cancer Syndrome; Neoplastic Syndromes, Hereditary; Tumor predisposition; Hereditary neoplastic syndrome. Identifiers: Orphanet 140162, MedGen C0027672, MeSH D009386, MONDO:0015356.
Melanoma, cutaneous malignant, susceptibility to, 1 (CMM1). Also called: B-K MOLE SYNDROME; MELANOMA, MALIGNANT; DYSPLASTIC NEVUS SYNDROME, HEREDITARY; FAMILIAL ATYPICAL MOLE-MALIGNANT MELANOMA SYNDROME. Identifiers: Orphanet 618, MedGen C1835047, MONDO:0007963, OMIM 155600.
Peutz-Jeghers syndrome (PJS). Also called: POLYPOSIS, HAMARTOMATOUS INTESTINAL; POLYPS-AND-SPOTS SYNDROME; Peutz-Jeghers polyposis; Periorificial lentiginosis syndrome. Identifiers: Orphanet 2869, MedGen C0031269, MeSH D010580, MONDO:0008280, OMIM 175200.

Submissions (5):

Ambry Genetics
Classification: Uncertain significance for Hereditary cancer-predisposing syndrome. Last evaluated: 2026-04-06. Review status: criteria provided, single submitter. Criteria: Ambry Variant Classification Scheme 2023. Collection method: clinical testing. Allele origin: germline.
Comment: The p.L9Q variant (also known as c.26T>A), located in coding exon 1 of the STK11 gene, results from a T to A substitution at nucleotide position 26. The leucine at codon 9 is replaced by glutamine, an amino acid with dissimilar properties. This amino acid position is conserved. In addition, the in silico prediction for this alteration is inconclusive. Based on the available evidence, the clinical significance of this variant remains unclear.

Baylor Genetics
Classification: Uncertain significance for Melanoma, cutaneous malignant, susceptibility to, 1. Last evaluated: 2024-02-12. Review status: criteria provided, single submitter. Criteria: ACMG Guidelines, 2015. Collection method: clinical testing. Allele origin: unknown.

Color Diagnostics, LLC DBA Color Health
Classification: Uncertain significance for Hereditary cancer-predisposing syndrome. Last evaluated: 2023-12-04. Review status: criteria provided, single submitter. Criteria: ACMG Guidelines, 2015. Collection method: clinical testing. Allele origin: germline.
Comment: This missense variant replaces leucine with glutamine at codon 9 of the STK11 protein. Computational prediction suggests that this variant may not impact protein structure and function (internally defined REVEL score threshold <= 0.5, PMID: 27666373). To our knowledge, functional studies have not been reported for this variant. This variant has not been reported in individuals affected with STK11-related disorders in the literature. This variant has not been identified in the general population by the Genome Aggregation Database (gnomAD). The available evidence is insufficient to determine the role of this variant in disease conclusively. Therefore, this variant is classified as a Variant of Uncertain Significance.

Genome-Nilou Lab
Classification: Uncertain significance for Peutz-Jeghers syndrome. Last evaluated: 2021-07-15. Review status: criteria provided, single submitter. Criteria: ACMG Guidelines, 2015. Collection method: clinical testing. Allele origin: germline. Affected: no.

Labcorp Genetics (formerly Invitae), Labcorp
Classification: Uncertain significance for Peutz-Jeghers syndrome. Last evaluated: 2020-06-16. Review status: criteria provided, single submitter. Criteria: Invitae Variant Classification Sherloc (09022015). Collection method: clinical testing. Allele origin: germline.
Comment: In summary, the available evidence is currently insufficient to determine the role of this variant in disease. Therefore, it has been classified as a Variant of Uncertain Significance. Algorithms developed to predict the effect of missense changes on protein structure and function (SIFT, PolyPhen-2, Align-GVGD) all suggest that this variant is likely to be tolerated, but these predictions have not been confirmed by published functional studies and their clinical significance is uncertain. This variant has not been reported in the literature in individuals with STK11-related conditions. This variant is not present in population databases (ExAC no frequency). This sequence change replaces leucine with glutamine at codon 9 of the STK11 protein (p.Leu9Gln). The leucine residue is moderately conserved and there is a moderate physicochemical difference between leucine and glutamine.

NM_000455.5(STK11):c.26T>A (p.Leu9Gln)

Gene: STK11 (serine/threonine kinase 11; plus strand). Cytogenetic location: 19p13.3.
Variant type: single nucleotide variant.
Coding change: c.26T>A on transcript NM_000455.5 (MANE Select); coding-DNA position 26, T replaced by A.
Protein change: p.Leu9Gln; replaces leucine 9 with glutamine.
Molecular consequence: missense variant.
Genome position (GRCh38, 1-based): chr19:1,206,939, T>A. VCF-style: chr19-1206939-T-A. GRCh37 (hg19) VCF-style: chr19-1206938-T-A.
Other names: short protein forms L9Q.
Identifiers: ClinVar variation 927300 (VCV000927300.18), dbSNP rs764154797, ClinGen allele CA402943096.